The following is an entry in ClinVar:

NM_001197104.2(KMT2A):c.10805C>G (p.Ser3602Cys)

Gene: KMT2A (lysine methyltransferase 2A; plus strand). Cytogenetic location: 11q23.3.
Variant type: single nucleotide variant.
Coding change: c.10805C>G on transcript NM_001197104.2 (MANE Select); coding-DNA position 10805, C replaced by G.
Protein change: p.Ser3602Cys; replaces serine 3602 with cysteine.
Molecular consequence: missense variant.
Genome position (GRCh38, 1-based): chr11:118,507,579, C>G. VCF-style: chr11-118507579-C-G. GRCh37 (hg19) VCF-style: chr11-118378294-C-G.
Other names: c.10796C>G, p.Ser3599Cys (NM_005933.4); c.10805C>G (NM_001197104.1); short protein forms S3599C, S3602C.
Identifiers: ClinVar variation 1401165 (VCV001401165.7), dbSNP rs1950606826, ClinGen allele CA382827731.

ClinVar aggregate classification (germline): Uncertain significance. Review status: criteria provided, multiple submitters, no conflicts (2 of 4 stars). 2 submissions from 2 submitters: Uncertain significance (2). Last evaluated 2025-04-08.

Conditions:
Inborn genetic diseases. Identifiers: MedGen C0950123, MeSH D030342.

Allele frequency attached by ClinVar (database versions not stated): TOPMed below 0.00001; gnomAD exomes 0.00001.
gnomAD v4.1: 3 of 1,614,118 alleles (0.00019%); highest among the groups gnomAD compares: Non-Finnish European, 0.00025%; no homozygotes.

Submissions (2):

Labcorp Genetics (formerly Invitae), Labcorp
Classification: Uncertain significance. Last evaluated: 2025-04-08. Review status: criteria provided, single submitter. Criteria: Invitae Variant Classification Sherloc (09022015). Collection method: clinical testing. Allele origin: germline.
Comment: This sequence change replaces serine, which is neutral and polar, with cysteine, which is neutral and slightly polar, at codon 3602 of the KMT2A protein (p.Ser3602Cys). This variant is not present in population databases (gnomAD no frequency). This variant has not been reported in the literature in individuals affected with KMT2A-related conditions. ClinVar contains an entry for this variant (Variation ID: 1401165). Invitae Evidence Modeling of protein sequence and biophysical properties (such as structural, functional, and spatial information, amino acid conservation, physicochemical variation, residue mobility, and thermodynamic stability) indicates that this missense variant is not expected to disrupt KMT2A protein function with a negative predictive value of 95%. In summary, the available evidence is currently insufficient to determine the role of this variant in disease. Therefore, it has been classified as a Variant of Uncertain Significance.

Ambry Genetics
Classification: Uncertain significance for Inborn genetic diseases. Last evaluated: 2024-07-09. Review status: criteria provided, single submitter. Criteria: Ambry Variant Classification Scheme 2023. Collection method: clinical testing. Allele origin: germline.